The following is an entry in ClinVar:

NM_005984.5(SLC25A1):c.202+17C>A

Gene: SLC25A1 (solute carrier family 25 member 1; minus strand). Cytogenetic location: 22q11.21.
Variant type: single nucleotide variant.
Coding change: c.202+17C>A on transcript NM_005984.5 (MANE Select); 17 bases into the intron after coding-DNA position 202, C replaced by A.
Molecular consequence: intron variant.
Genome position (GRCh38, 1-based): chr22:19,178,116, G>T on the plus strand (C>A on the coding strand, the complement: SLC25A1 is on the minus strand). VCF-style: chr22-19178116-G-T. GRCh37 (hg19) VCF-style: chr22-19165629-G-T.
Other names: c.-108+17C>A (NM_001287387.2); c.223+17C>A (NM_001256534.2).
Identifiers: ClinVar variation 378587 (VCV000378587.11), dbSNP rs57827877, ClinGen allele CA10097518.

ClinVar aggregate classification (germline): Benign. Review status: criteria provided, multiple submitters, no conflicts (2 of 4 stars). 3 submissions from 3 submitters: Benign (3). Last evaluated 2026-01-24.

Allele frequency attached by ClinVar (database versions not stated): ESP Exome Variant Server 0.00443; gnomAD 0.00704 and 0.00928; TOPMed 0.00908; gnomAD exomes 0.01995; 1000 Genomes Project 30x 0.02873; 1000 Genomes Project 0.03135; ExAC 0.04171.
gnomAD v4.1: 16,930 of 1,533,848 alleles (1.1%); highest among the groups gnomAD compares: East Asian, 6.8%; 284 homozygotes.

Submissions (3):

Labcorp Genetics (formerly Invitae), Labcorp
Classification: Benign. Last evaluated: 2026-01-24. Review status: criteria provided, single submitter. Criteria: Invitae Variant Classification Sherloc (09022015). Collection method: clinical testing. Allele origin: germline.

GeneDx
Classification: Benign. Last evaluated: 2016-04-19. Review status: criteria provided, single submitter. Criteria: GeneDx Variant Classification (06012015). Collection method: clinical testing. Allele origin: germline. Affected: yes.
Comment: This variant is considered likely benign or benign based on one or more of the following criteria: it is a conservative change, it occurs at a poorly conserved position in the protein, it is predicted to be benign by multiple in silico algorithms, and/or has population frequency not consistent with disease.

Breakthrough Genomics
Classification: Benign. Review status: criteria provided, single submitter. Criteria: ACMG Guidelines, 2015. Collection method: not provided. Allele origin: germline. Inheritance: Autosomal recessive inheritance. Affected: yes.